The following is an entry in ClinVar:

ClinVar aggregate classification (germline): Uncertain significance. Review status: criteria provided, multiple submitters, no conflicts (2 of 4 stars). 2 submissions from 2 submitters: Uncertain significance (2). Last evaluated 2024-11-26.

Allele frequency attached by ClinVar (database versions not stated): ExAC 0.00001; TOPMed 0.00001; gnomAD exomes 0.00002.
gnomAD v4.1: 36 of 1,614,144 alleles (0.0022%); highest among the groups gnomAD compares: Non-Finnish European, 0.0028%; no homozygotes.

Submissions (2):

Ambry Genetics
Classification: Uncertain significance. Last evaluated: 2024-11-26. Review status: criteria provided, single submitter. Criteria: Ambry Variant Classification Scheme 2023. Collection method: clinical testing. Allele origin: germline.

Labcorp Genetics (formerly Invitae), Labcorp
Classification: Uncertain significance. Last evaluated: 2022-08-07. Review status: criteria provided, single submitter. Criteria: Invitae Variant Classification Sherloc (09022015). Collection method: clinical testing. Allele origin: germline.
Comment: This sequence change replaces arginine, which is basic and polar, with histidine, which is basic and polar, at codon 477 of the KIF20A protein (p.Arg477His). This variant is present in population databases (rs752101862, gnomAD 0.007%). In summary, the available evidence is currently insufficient to determine the role of this variant in disease. Therefore, it has been classified as a Variant of Uncertain Significance. Algorithms developed to predict the effect of missense changes on protein structure and function are either unavailable or do not agree on the potential impact of this missense change (SIFT: "Deleterious"; PolyPhen-2: "Benign"; Align-GVGD: "Class C25"). This variant has not been reported in the literature in individuals affected with KIF20A-related conditions.

NM_005733.3(KIF20A):c.1430G>A (p.Arg477His)

Gene: KIF20A (kinesin family member 20A; plus strand). Cytogenetic location: 5q31.2.
Variant type: single nucleotide variant.
Coding change: c.1430G>A on transcript NM_005733.3 (MANE Select); coding-DNA position 1430, G replaced by A.
Protein change: p.Arg477His; replaces arginine 477 with histidine.
Molecular consequence: missense variant.
Genome position (GRCh38, 1-based): chr5:138,184,316, G>A. VCF-style: chr5-138184316-G-A. GRCh37 (hg19) VCF-style: chr5-137520005-G-A.
Other names: c.1430G>A (NM_005733.2); short protein forms R477H.
Identifiers: ClinVar variation 1901727 (VCV001901727.6), dbSNP rs752101862, ClinGen allele CA3426604.
Genomic context (GRCh38, chr5:138,184,316, plus strand): 5'-TTCCCTTCCGTGACAGCAAGTTGACTCGAGTGTTCCAAGGTTTCTTCACAGGCCGAGGCC[G>A]TTCCTGCATGATTGTCAATGTGAATCCCTGTGCATCTACCTATGATGAAACTCTTCATGT-3'
Protein context (NP_005724.1, residues 467-487): VFQGFFTGRG[Arg477His]SCMIVNVNPC